The following is an entry in ClinVar:

NM_005245.4(FAT1):c.5628C>G (p.Pro1876=)

Gene: FAT1 (FAT atypical cadherin 1; minus strand). Cytogenetic location: 4q35.2.
Variant type: single nucleotide variant.
Coding change: c.5628C>G on transcript NM_005245.4 (MANE Select); coding-DNA position 5628, C replaced by G.
Protein change: p.Pro1876=; no amino-acid change (proline 1876 retained).
Molecular consequence: synonymous variant.
Genome position (GRCh38, 1-based): chr4:186,620,958, G>C on the plus strand (C>G on the coding strand, the complement: FAT1 is on the minus strand). VCF-style: chr4-186620958-G-C. GRCh37 (hg19) VCF-style: chr4-187542112-G-C.
Identifiers: ClinVar variation 2655228 (VCV002655228.24), dbSNP rs1443693883, ClinGen allele CA442895538.

ClinVar aggregate classification (germline): Likely benign (1 of 4 stars; one submission).

Allele frequency attached by ClinVar (database versions not stated): TOPMed below 0.00001.
gnomAD v4.1: 4 of 1,613,664 alleles (0.00025%); highest among the groups gnomAD compares: East Asian, 0.0067%; no homozygotes.

Submission:

CeGaT Center for Human Genetics Tuebingen
Classification: Likely benign. Last evaluated: 2022-08-01. Review status: criteria provided, single submitter. Criteria: CeGaT Center For Human Genetics Tuebingen Variant Classification Criteria Version 2. Collection method: clinical testing. Allele origin: germline. Affected: yes. Observed: 1 variant allele.
Comment: FAT1: BP4, BP7